The following is an entry in ClinVar:

ClinVar aggregate classification (germline): Uncertain significance. Review status: criteria provided, multiple submitters, no conflicts (2 of 4 stars). 2 submissions from 2 submitters: Uncertain significance (2). Last evaluated 2021-04-05.

Conditions:
Allan-Herndon-Dudley syndrome (AHDS). Also called: Passos-Bueno syndrome; ALLAN-HERNDON SYNDROME; MENTAL RETARDATION AND MUSCULAR ATROPHY; T3 RESISTANCE; TRIIODOTHYRONINE RESISTANCE. Identifiers: Orphanet 59, MedGen C0795889, MONDO:0010354, OMIM 300523.

Allele frequency attached by ClinVar (database versions not stated): ExAC 0.00001; gnomAD exomes 0.00001; ESP Exome Variant Server 0.00009.

Submissions (2):

Molecular Diagnostics Lab, Nemours Children's Health, Delaware
Classification: Uncertain significance for Allan-Herndon-Dudley syndrome. Last evaluated: 2021-04-05. Review status: criteria provided, single submitter. Criteria: ACMG Guidelines, 2015. Collection method: clinical testing. Allele origin: unknown. Inheritance: X-linked inheritance. Affected: yes. Observed: 1 hemizygote.
Comment: This missense variant (c.448G>A, p.Ala150Thr) has not been observed in population databases and has not been described in the literature. Variant prediction programs do not support a deleterious effect due to this change, and functional studies have not been published. A different variant in the same codon (c.449C>T, p.Ala150Val) has been classified as pathogenic (PMID 12871948, PMID 27081503, 16131597).

Broad Center for Mendelian Genomics, Broad Institute of MIT and Harvard
Classification: Uncertain significance for Allan-Herndon-Dudley syndrome. Last evaluated: 2018-12-03. Review status: criteria provided, single submitter. Criteria: ACMG Guidelines, 2015. Collection method: research. Allele origin: germline. Inheritance: X-linked inheritance. Affected: yes.
Comment: The hemizygous p.Ala150Thr variant in SLC16A2 was identified by our study in two siblings with Allan-Herndon-Dudley syndrome. The p.Ala150Thr variant in SLC16A2 has not been previously reported in individuals with Allan-Herndon-Dudley syndrome but has been identified in 0.001249% (1/80047) of European (non-Finnish) chromosomes, in 1 hemizygote, by the Genome Aggregation Database (gnomAD; dbSNP rs373279555), suggesting that this variant is not pathogenic for Allan-Herndon-Dudley syndrome. Computational prediction tools and conservation analyses suggest that this variant may not impact the protein, though this information is not predictive enough to rule out pathogenicity. Two additional variants at the the same position, p.Ala150Val and p.Ala150Glu, have been reported pathogenic and likely pathogenic in association with disease in ClinVar, supporting that a change at this position may not be tolerated (Variation ID: 11634, 159907). In summary, the clinical significance of the p.Ala150Thr variant is uncertain. ACMG/AMP Criteria applied: BS2, PM5, BP4 (Richards 2015).

NM_006517.5(SLC16A2):c.448G>A (p.Ala150Thr)

Gene: SLC16A2 (solute carrier family 16 member 2; plus strand). Cytogenetic location: Xq13.2.
Variant type: single nucleotide variant.
Coding change: c.448G>A on transcript NM_006517.5 (MANE Select); coding-DNA position 448, G replaced by A.
Protein change: p.Ala150Thr; replaces alanine 150 with threonine.
Molecular consequence: missense variant.
Genome position (GRCh38, 1-based): chrX:74,521,007, G>A. VCF-style: chrX-74521007-G-A. GRCh37 (hg19) VCF-style: chrX-73740842-G-A.
Other names: c.448G>A (NM_006517.4); short protein forms A150T.
Identifiers: ClinVar variation 813901 (VCV000813901.3), dbSNP rs373279555, ClinGen allele CA10454410.